The following is an entry in ClinVar:

NM_000368.5(TSC1):c.211-11T>C

Gene: TSC1 (TSC complex subunit 1; minus strand). Cytogenetic location: 9q34.13.
Variant type: single nucleotide variant.
Coding change: c.211-11T>C on transcript NM_000368.5 (MANE Select); 11 bases into the intron before coding-DNA position 211, T replaced by C.
Molecular consequence: intron variant.
Genome position (GRCh38, 1-based): chr9:132,925,750, A>G on the plus strand (T>C on the coding strand, the complement: TSC1 is on the minus strand). VCF-style: chr9-132925750-A-G. GRCh37 (hg19) VCF-style: chr9-135801137-A-G.
Other names: c.-153-11T>C (NM_001362177.2); c.210+1451T>C (NM_001162427.2); c.211-11T>C (NM_001162426.2).
Identifiers: ClinVar variation 1204802 (VCV001204802.12), dbSNP rs1258774658, ClinGen allele CA591051372.

ClinVar aggregate classification (germline): Likely benign. Review status: criteria provided, multiple submitters, no conflicts (2 of 4 stars). 4 submissions from 4 submitters: Likely benign (4). Last evaluated 2025-08-05.

Conditions:
Tuberous sclerosis syndrome (TSC). Also called: Tuberous Sclerosis Complex; Tuberous sclerosis. Identifiers: Orphanet 805, MedGen C0041341, MONDO:0001734.
Tuberous sclerosis 1 (TSC1). Identifiers: Orphanet 805, MedGen C1854465, MONDO:0008612, OMIM 191100.

Allele frequency attached by ClinVar (database versions not stated): gnomAD exomes below 0.00001 and 0.00002; gnomAD 0.00001.
gnomAD v4.1: 28 of 1,614,090 alleles (0.0017%); highest among the groups gnomAD compares: Non-Finnish European, 0.0022%; no homozygotes.

Submissions (4):

Labcorp Genetics (formerly Invitae), Labcorp
Classification: Likely benign for Tuberous sclerosis 1. Last evaluated: 2025-08-05. Review status: criteria provided, single submitter. Criteria: Invitae Variant Classification Sherloc (09022015). Collection method: clinical testing. Allele origin: germline.

Myriad Genetics, Inc.
Classification: Likely benign for Tuberous sclerosis 1. Last evaluated: 2025-04-07. Review status: criteria provided, single submitter. Criteria: Myriad Autosomal Dominant, Autosomal Recessive and X-Linked Classification Criteria (2023). Collection method: clinical testing. Allele origin: unknown.
Comment: This variant is considered likely benign. This variant is intronic and is not expected to impact mRNA splicing.

Color Diagnostics, LLC DBA Color Health
Classification: Likely benign for Tuberous sclerosis syndrome. Last evaluated: 2022-05-17. Review status: criteria provided, single submitter. Criteria: ACMG Guidelines, 2015. Collection method: clinical testing. Allele origin: germline.

GeneDx
Classification: Likely benign. Last evaluated: 2019-08-29. Review status: criteria provided, single submitter. Criteria: GeneDx Variant Classification Process June 2021. Collection method: clinical testing. Allele origin: germline. Affected: yes.